The following is an entry in ClinVar:

NM_003954.5(MAP3K14):c.2593A>G (p.Ile865Val)

Genes: MAP3K14 (mitogen-activated protein kinase kinase kinase 14; minus strand), MAP3K14-AS1 (MAP3K14 antisense RNA 1; plus strand). Cytogenetic location: 17q21.31.
Variant type: single nucleotide variant.
Coding change: c.2593A>G on transcript NM_003954.5 (MANE Select); coding-DNA position 2593, A replaced by G.
Protein change: p.Ile865Val; replaces isoleucine 865 with valine.
Molecular consequence: missense variant.
Genome position (GRCh38, 1-based): chr17:45,265,249, T>C on the plus strand (A>G on the coding strand, the complement: MAP3K14 is on the minus strand). VCF-style: chr17-45265249-T-C. GRCh37 (hg19) VCF-style: chr17-43342616-T-C.
Other names: short protein forms I865V.
Identifiers: ClinVar variation 1015583 (VCV001015583.7), dbSNP rs2044067441, ClinGen allele CA399870993.

ClinVar aggregate classification (germline): Uncertain significance (1 of 4 stars; one submission).

Conditions:
NIK deficiency. Also called: Primary immunodeficiency with multifaceted aberrant lymphoid immunity. Identifiers: Orphanet 447731, MedGen C5680065, MONDO:0018642.

Submission:

Labcorp Genetics (formerly Invitae), Labcorp
Classification: Uncertain significance for NIK deficiency. Last evaluated: 2020-03-22. Review status: criteria provided, single submitter. Criteria: Invitae Variant Classification Sherloc (09022015). Collection method: clinical testing. Allele origin: germline.
Comment: In summary, the available evidence is currently insufficient to determine the role of this variant in disease. Therefore, it has been classified as a Variant of Uncertain Significance. This sequence change replaces isoleucine with valine at codon 865 of the MAP3K14 protein (p.Ile865Val). The isoleucine residue is highly conserved and there is a small physicochemical difference between isoleucine and valine. This variant is not present in population databases (ExAC no frequency). This variant has not been reported in the literature in individuals with MAP3K14-related conditions. Experimental studies and prediction algorithms are not available or were not evaluated, and the functional significance of this variant is currently unknown.